The following is an entry in ClinVar:

NM_001376.5(DYNC1H1):c.13657C>T (p.Leu4553Phe)

Gene: DYNC1H1 (dynein cytoplasmic 1 heavy chain 1; plus strand). Cytogenetic location: 14q32.31.
Variant type: single nucleotide variant.
Coding change: c.13657C>T on transcript NM_001376.5 (MANE Select); coding-DNA position 13657, C replaced by T.
Protein change: p.Leu4553Phe; replaces leucine 4553 with phenylalanine.
Molecular consequence: missense variant.
Genome position (GRCh38, 1-based): chr14:102,049,855, C>T. VCF-style: chr14-102049855-C-T. GRCh37 (hg19) VCF-style: chr14-102516192-C-T.
Other names: c.13657C>T (NM_001376.4); short protein forms L4553F.
Identifiers: ClinVar variation 1495242 (VCV001495242.7), dbSNP rs997929938, ClinGen allele CA266989436.

ClinVar aggregate classification (germline): Uncertain significance. Review status: criteria provided, multiple submitters, no conflicts (2 of 4 stars). 2 submissions from 2 submitters: Uncertain significance (2). Last evaluated 2025-01-13.

Conditions:
Inborn genetic diseases. Identifiers: MedGen C0950123, MeSH D030342.
Charcot-Marie-Tooth disease axonal type 2O. Also called: Charcot-Marie-Tooth disease, axonal, type 20; CHARCOT-MARIE-TOOTH NEUROPATHY, AXONAL, TYPE 2O; CHARCOT-MARIE-TOOTH DISEASE, AXONAL, AUTOSOMAL DOMINANT, TYPE 2O; Charcot-Marie-Tooth Neuropathy Type 2O. Identifiers: Orphanet 284232, MedGen C3280220, MONDO:0013644, OMIM 614228.

Allele frequency attached by ClinVar (database versions not stated): TOPMed 0.00001.

Submissions (2):

Labcorp Genetics (formerly Invitae), Labcorp
Classification: Uncertain significance for Charcot-Marie-Tooth disease axonal type 2O. Last evaluated: 2025-01-13. Review status: criteria provided, single submitter. Criteria: Invitae Variant Classification Sherloc (09022015). Collection method: clinical testing. Allele origin: germline.
Comment: This sequence change replaces leucine, which is neutral and non-polar, with phenylalanine, which is neutral and non-polar, at codon 4553 of the DYNC1H1 protein (p.Leu4553Phe). This variant is not present in population databases (gnomAD no frequency). This variant has not been reported in the literature in individuals affected with DYNC1H1-related conditions. ClinVar contains an entry for this variant (Variation ID: 1495242). Invitae Evidence Modeling of protein sequence and biophysical properties (such as structural, functional, and spatial information, amino acid conservation, physicochemical variation, residue mobility, and thermodynamic stability) indicates that this missense variant is not expected to disrupt DYNC1H1 protein function with a negative predictive value of 95%. In summary, the available evidence is currently insufficient to determine the role of this variant in disease. Therefore, it has been classified as a Variant of Uncertain Significance.

Ambry Genetics
Classification: Uncertain significance for Inborn genetic diseases. Last evaluated: 2024-05-13. Review status: criteria provided, single submitter. Criteria: Ambry Variant Classification Scheme 2023. Collection method: clinical testing. Allele origin: germline.